The following is an entry in ClinVar:

ClinVar aggregate classification (germline): Conflicting classifications of pathogenicity. Review status: criteria provided, conflicting classifications (1 of 4 stars). 2 submissions from 2 submitters: Likely pathogenic (1); Uncertain significance (1). Last evaluated 2024-11-19.

Conditions:
Early-infantile DEE. Also called: Early infantile epileptic encephalopathy with suppression bursts; Early infantile epileptic encephalopathy; Ohtahara syndrome. Identifiers: Orphanet 1934, MedGen C0393706, MONDO:0800491.
Seizures, benign familial neonatal, 1. Also called: Benign Neonatal Epilepsy 1; Seizures, benign neonatal, 1; KCNQ2-Related Benign Familial Neonatal Epilepsy; KCNQ2-Related Self-Limited Familial Neonatal Epilepsy (SLFNE). Identifiers: Orphanet 1949, MedGen C3149074, MONDO:0007365, OMIM 121200.

Submissions (2):

Victorian Clinical Genetics Services, Murdoch Childrens Research Institute
Classification: Likely pathogenic for Seizures, benign familial neonatal, 1. Last evaluated: 2024-11-19. Review status: criteria provided, single submitter. Criteria: ACMG Guidelines, 2015. Collection method: clinical testing. Allele origin: germline. Affected: yes.
Comment: This variant is classified as Likely pathogenic. Evidence in support of pathogenic classification: Variant is absent from gnomAD (v2, v3 and v4); Missense variant consistently predicted to be damaging by in silico tool or highly conserved with a major amino acid change; Additional information: Variant is predicted to result in a missense amino acid change from arginine to leucine; This variant is heterozygous; This gene is associated with autosomal dominant disease; An alternative amino acid change at the same position has been observed in gnomAD (v4: 3 heterozygote(s), 0 homozygote(s)); Previous evidence of pathogenicity for this variant is inconclusive. ClinVar contains a VUS entry for this variant; however, this may be referencing this individual; No published segregation evidence has been identified for this variant; No published functional evidence has been identified for this variant; Another missense variant(s) comparable to the one identified in this case has inconclusive previous evidence for pathogenicity. p.(Arg89Pro) has been classified as a VUS in ClinVar; Variant is not located in an established domain, motif, hotspot or informative constraint region; Dominant negative and loss of function are known mechanisms of disease in this gene and are associated with developmental and epileptic encephalopathy 7 (DEE; MIM#613720) and benign neonatal seizures 1 (BFNS1; MIM#121200), respectively (PMID: 20437616). There is currently no phenotypic correlation in terms of variant types or location (PMID: 31418850); The condition associated with this gene has incomplete penetrance; however, this is only reported for individuals with BFNS1 (PMID: 25959266).

Labcorp Genetics (formerly Invitae), Labcorp
Classification: Uncertain significance for Early-infantile DEE. Last evaluated: 2022-04-03. Review status: criteria provided, single submitter. Criteria: Invitae Variant Classification Sherloc (09022015). Collection method: clinical testing. Allele origin: germline.
Comment: This sequence change replaces arginine, which is basic and polar, with leucine, which is neutral and non-polar, at codon 89 of the KCNQ2 protein (p.Arg89Leu). This variant is not present in population databases (gnomAD no frequency). This variant has not been reported in the literature in individuals affected with KCNQ2-related conditions. Advanced modeling of protein sequence and biophysical properties (such as structural, functional, and spatial information, amino acid conservation, physicochemical variation, residue mobility, and thermodynamic stability) performed at Invitae indicates that this missense variant is expected to disrupt KCNQ2 protein function. In summary, the available evidence is currently insufficient to determine the role of this variant in disease. Therefore, it has been classified as a Variant of Uncertain Significance.

Literature cited by the submitters: PubMed 20437616 (cited by Victorian Clinical Genetics Services, Murdoch Childrens Research Institute); PubMed 31418850 (cited by Victorian Clinical Genetics Services, Murdoch Childrens Research Institute); PubMed 25959266 (cited by Victorian Clinical Genetics Services, Murdoch Childrens Research Institute).

NM_172107.4(KCNQ2):c.266G>T (p.Arg89Leu)

Gene: KCNQ2 (potassium voltage-gated channel subfamily Q member 2; minus strand). Cytogenetic location: 20q13.33.
Variant type: single nucleotide variant.
Coding change: c.266G>T on transcript NM_172107.4 (MANE Select); coding-DNA position 266, G replaced by T.
Protein change: p.Arg89Leu; replaces arginine 89 with leucine.
Molecular consequence: missense variant.
Genome position (GRCh38, 1-based): chr20:63,472,198, C>A on the plus strand (G>T on the coding strand, the complement: KCNQ2 is on the minus strand). VCF-style: chr20-63472198-C-A. GRCh37 (hg19) VCF-style: chr20-62103551-C-A.
Other names: c.266G>T, p.Arg89Leu (NM_001382235.1, NM_004518.6, NM_172106.3 and 2 more transcripts); short protein forms R89L.
Identifiers: ClinVar variation 2120955 (VCV002120955.6), dbSNP rs2516743033, ClinGen allele CA409635035.